The following is an entry in ClinVar:

ClinVar aggregate classification (germline): Uncertain significance (1 of 4 stars; one submission).

Conditions:
Hereditary cancer-predisposing syndrome. Also called: Neoplastic Syndromes, Hereditary; Tumor predisposition; Hereditary Cancer Syndrome; Hereditary neoplastic syndrome. Identifiers: Orphanet 140162, MedGen C0027672, MeSH D009386, MONDO:0015356.

Submission:

Ambry Genetics
Classification: Uncertain significance for Hereditary cancer-predisposing syndrome. Last evaluated: 2019-09-04. Review status: criteria provided, single submitter. Criteria: Ambry Variant Classification Scheme 2023. Collection method: clinical testing. Allele origin: germline.
Comment: The p.E682K variant (also known as c.2044G>A), located in coding exon 13 of the CDH1 gene, results from a G to A substitution at nucleotide position 2044. The glutamic acid at codon 682 is replaced by lysine, an amino acid with similar properties. This amino acid position is poorly conserved in available vertebrate species. In addition, this alteration is predicted to be tolerated by in silico analysis. Since supporting evidence is limited at this time, the clinical significance of this alteration remains unclear.

NM_004360.5(CDH1):c.2044G>A (p.Glu682Lys)

Gene: CDH1 (cadherin 1; plus strand). Cytogenetic location: 16q22.1.
Variant type: single nucleotide variant.
Coding change: c.2044G>A on transcript NM_004360.5 (MANE Select); coding-DNA position 2044, G replaced by A.
Protein change: p.Glu682Lys; replaces glutamic acid 682 with lysine.
Molecular consequence: missense variant.
Genome position (GRCh38, 1-based): chr16:68,823,506, G>A. VCF-style: chr16-68823506-G-A. GRCh37 (hg19) VCF-style: chr16-68857409-G-A.
Other names: c.1861G>A, p.Glu621Lys (NM_001317184.2); c.496G>A, p.Glu166Lys (NM_001317185.2); c.79G>A, p.Glu27Lys (NM_001317186.2); short protein forms E621K, E166K, E27K, E682K.
Identifiers: ClinVar variation 820577 (VCV000820577.4), dbSNP rs1596965795, ClinGen allele CA396467733.
Genomic context (GRCh38, chr16:68,823,506, plus strand): 5'-GACTACAAAATCAATCTCAAGCTCATGGATAACCAGAATAAAGACCAAGTGACCACCTTA[G>A]AGGTCAGCGTGTGTGACTGTGAAGGGGCCGCTGGCGTCTGTAGGAAGGCACAGCCTGTCG-3'
Protein context (NP_004351.1, residues 672-692): NQNKDQVTTL[Glu682Lys]VSVCDCEGAA